The following is an entry in ClinVar:

ClinVar aggregate classification (germline): Uncertain significance (1 of 4 stars; one submission).

Conditions:
Aicardi-Goutieres syndrome 2. Identifiers: Orphanet 51, MedGen C3489724, MONDO:0012429, OMIM 610181.

gnomAD v4.1: 2 of 1,585,790 alleles (0.00013%); highest among the groups gnomAD compares: Admixed American, 0.0033%; no homozygotes.

Submission:

Labcorp Genetics (formerly Invitae), Labcorp
Classification: Uncertain significance for Aicardi-Goutieres syndrome 2. Last evaluated: 2025-09-08. Review status: criteria provided, single submitter. Criteria: Invitae Variant Classification Sherloc (09022015). Collection method: clinical testing. Allele origin: germline.
Comment: This sequence change falls in intron 5 of the RNASEH2B gene. It does not directly change the encoded amino acid sequence of the RNASEH2B protein. It affects a nucleotide within the consensus splice site. This variant is present in population databases (no rsID available, gnomAD 0.003%). This variant has not been reported in the literature in individuals affected with RNASEH2B-related conditions. ClinVar contains an entry for this variant (Variation ID: 1984948). Variants that disrupt the consensus splice site are a relatively common cause of aberrant splicing (PMID: 17576681, 9536098). Algorithms developed to predict the effect of sequence changes on RNA splicing suggest that this variant is not likely to affect RNA splicing. In summary, the available evidence is currently insufficient to determine the role of this variant in disease. Therefore, it has been classified as a Variant of Uncertain Significance.

Literature cited by the submitters: PubMed 17576681; PubMed 9536098.

NM_024570.4(RNASEH2B):c.436+6G>C

Gene: RNASEH2B (ribonuclease H2 subunit B; plus strand). Cytogenetic location: 13q14.3.
Variant type: single nucleotide variant.
Coding change: c.436+6G>C on transcript NM_024570.4 (MANE Select); 6 bases into the intron after coding-DNA position 436, G replaced by C.
Molecular consequence: intron variant.
Genome position (GRCh38, 1-based): chr13:50,935,005, G>C. VCF-style: chr13-50935005-G-C. GRCh37 (hg19) VCF-style: chr13-51509141-G-C.
Other names: c.436+6G>C (NM_001142279.2).
Identifiers: ClinVar variation 1984948 (VCV001984948.2), dbSNP rs1334165925, ClinGen allele CA609910323.